The following is an entry in ClinVar:

NM_001844.5(COL2A1):c.3706C>T (p.Leu1236=)

Gene: COL2A1 (collagen type II alpha 1 chain; minus strand). Cytogenetic location: 12q13.11.
Variant type: single nucleotide variant.
Coding change: c.3706C>T on transcript NM_001844.5 (MANE Select); coding-DNA position 3706, C replaced by T.
Protein change: p.Leu1236=; no amino-acid change (leucine 1236 retained).
Molecular consequence: synonymous variant.
Genome position (GRCh38, 1-based): chr12:47,975,497, G>A on the plus strand (C>T on the coding strand, the complement: COL2A1 is on the minus strand). VCF-style: chr12-47975497-G-A. GRCh37 (hg19) VCF-style: chr12-48369280-G-A.
Other names: c.3706C>T (NM_001844.4); c.3499C>T, p.Leu1167= (NM_033150.3).
Identifiers: ClinVar variation 1160590 (VCV001160590.11), dbSNP rs769035328, ClinGen allele CA6534664.

ClinVar aggregate classification (germline): Likely benign. Review status: criteria provided, single submitter (1 of 4 stars). 2 submissions from 2 submitters: Likely benign (1). 1 of the submissions does not count toward it. Last evaluated 2020-02-22.

Conditions:
COL2A1-related disorder. Also called: COL2A1-related condition; COL2A1-related disorders.

Allele frequency attached by ClinVar (database versions not stated): gnomAD exomes below 0.00001; ExAC 0.00001.
gnomAD v4.1: 3 of 1,613,056 alleles (0.00019%); highest among the groups gnomAD compares: Middle Eastern, 0.016%; no homozygotes.

Submissions (2):

Labcorp Genetics (formerly Invitae), Labcorp
Classification: Likely benign. Last evaluated: 2020-02-22. Review status: criteria provided, single submitter. Criteria: Invitae Variant Classification Sherloc (09022015). Collection method: clinical testing. Allele origin: germline.

PreventionGenetics, part of Exact Sciences
Classification: Likely benign for COL2A1-related condition. Last evaluated: 2020-11-24. Review status: no assertion criteria provided. Collection method: clinical testing. Allele origin: germline. Not counted in ClinVar's aggregate classification.
Comment: This variant is classified as likely benign based on ACMG/AMP sequence variant interpretation guidelines (Richards et al. 2015 PMID: 25741868, with internal and published modifications).